The following is an entry in ClinVar:

ClinVar aggregate classification (germline): Uncertain significance (1 of 4 stars; one submission).

Conditions:
Early-infantile DEE. Also called: Ohtahara syndrome; Early infantile epileptic encephalopathy; Early infantile epileptic encephalopathy with suppression bursts. Identifiers: Orphanet 1934, MedGen C0393706, MONDO:0800491.

Submission:

Labcorp Genetics (formerly Invitae), Labcorp
Classification: Uncertain significance for Early-infantile DEE. Last evaluated: 2022-02-08. Review status: criteria provided, single submitter. Criteria: Invitae Variant Classification Sherloc (09022015). Collection method: clinical testing. Allele origin: germline.
Comment: In summary, the available evidence is currently insufficient to determine the role of this variant in disease. Therefore, it has been classified as a Variant of Uncertain Significance. This sequence change replaces lysine, which is basic and polar, with glutamic acid, which is acidic and polar, at codon 155 of the CACNA2D2 protein (p.Lys155Glu). This variant is not present in population databases (gnomAD no frequency). This variant has not been reported in the literature in individuals affected with CACNA2D2-related conditions. Algorithms developed to predict the effect of missense changes on protein structure and function are either unavailable or do not agree on the potential impact of this missense change (SIFT: "Deleterious"; PolyPhen-2: "Benign"; Align-GVGD: "Class C0").

NM_006030.4(CACNA2D2):c.463A>G (p.Lys155Glu)

Gene: CACNA2D2 (calcium voltage-gated channel auxiliary subunit alpha2delta 2; minus strand). Cytogenetic location: 3p21.31.
Variant type: single nucleotide variant.
Coding change: c.463A>G on transcript NM_006030.4 (MANE Select); coding-DNA position 463, A replaced by G.
Protein change: p.Lys155Glu; replaces lysine 155 with glutamic acid.
Molecular consequence: missense variant.
Genome position (GRCh38, 1-based): chr3:50,394,111, T>C on the plus strand (A>G on the coding strand, the complement: CACNA2D2 is on the minus strand). VCF-style: chr3-50394111-T-C. GRCh37 (hg19) VCF-style: chr3-50431542-T-C.
Other names: c.463A>G, p.Lys155Glu (NM_001005505.3, NM_001174051.3); c.256A>G, p.Lys86Glu (NM_001291101.1); short protein forms K155E, K86E.
Identifiers: ClinVar variation 1519420 (VCV001519420.9), dbSNP rs1553734583, ClinGen allele CA352948414.